The following is an entry in ClinVar:

NM_004429.5(EFNB1):c.733G>A (p.Gly245Ser)

Gene: EFNB1 (ephrin B1; plus strand). Cytogenetic location: Xq13.1.
Variant type: single nucleotide variant.
Coding change: c.733G>A on transcript NM_004429.5 (MANE Select); coding-DNA position 733, G replaced by A.
Protein change: p.Gly245Ser; replaces glycine 245 with serine.
Molecular consequence: missense variant.
Genome position (GRCh38, 1-based): chrX:68,840,346, G>A. VCF-style: chrX-68840346-G-A. GRCh37 (hg19) VCF-style: chrX-68060189-G-A.
Other names: short protein forms G245S.
Identifiers: ClinVar variation 3898205 (VCV003898205.7).
Genomic context (GRCh38, chrX:68,840,346, plus strand): 5'-GGCAGCAGCGGGGACCCTGATGGCTTCTTCAACTCCAAGGTGGCATTGTTCGCGGCTGTC[G>A]GTGCCGGTTGCGTCATCTTCCTGCTCATCATCATCTTCCTGACGGTCCTACTACTGAAGC-3'
Protein context (NP_004420.1, residues 235-255): NSKVALFAAV[Gly245Ser]AGCVIFLLII

ClinVar aggregate classification (germline): Uncertain significance (1 of 4 stars; one submission).

gnomAD v4.1: 3 of 1,211,546 alleles (0.00025%); highest among the groups gnomAD compares: Non-Finnish European, 0.00034%; no homozygotes.

Submission:

CeGaT Center for Human Genetics Tuebingen
Classification: Uncertain significance. Last evaluated: 2025-03-01. Review status: criteria provided, single submitter. Criteria: CeGaT Center For Human Genetics Tuebingen Variant Classification Criteria Version 2. Collection method: clinical testing. Allele origin: germline. Affected: yes. Observed: 1 variant allele.
Comment: EFNB1: PS2:Supporting